The following is an entry in ClinVar:

ClinVar aggregate classification (germline): Uncertain significance. Review status: criteria provided, multiple submitters, no conflicts (2 of 4 stars). 3 submissions from 3 submitters: Uncertain significance (2). 1 of the submissions does not count toward it. Last evaluated 2022-06-20.

Conditions:
Bardet-Biedl syndrome (BBS). Identifiers: Orphanet 110, MedGen C0752166, MONDO:0015229.
WDPCP-related disorder. Also called: WDPCP-related condition.
Heart defect - tongue hamartoma - polysyndactyly syndrome. Also called: Congenital heart defects, hamartomas of tongue, and polysyndactyly. Identifiers: Orphanet 1338, MedGen C1857587, MONDO:0009008, OMIM 217085.
Bardet-Biedl syndrome 15 (BBS15). Identifiers: Orphanet 110, MedGen C3150127, MONDO:0014443, OMIM 615992.

Allele frequency attached by ClinVar (database versions not stated): gnomAD 0.00001; TOPMed 0.00001.
gnomAD v4.1: 5 of 1,575,312 alleles (0.00032%); highest among the groups gnomAD compares: African/African-American, 0.0068%; no homozygotes.

Submissions (3):

Labcorp Genetics (formerly Invitae), Labcorp
Classification: Uncertain significance for Bardet-Biedl syndrome. Last evaluated: 2022-06-20. Review status: criteria provided, single submitter. Criteria: Invitae Variant Classification Sherloc (09022015). Collection method: clinical testing. Allele origin: germline.
Comment: In summary, the available evidence is currently insufficient to determine the role of this variant in disease. Therefore, it has been classified as a Variant of Uncertain Significance. This sequence change replaces lysine, which is basic and polar, with asparagine, which is neutral and polar, at codon 81 of the WDPCP protein (p.Lys81Asn). Algorithms developed to predict the effect of missense changes on protein structure and function (SIFT, PolyPhen-2, Align-GVGD) all suggest that this variant is likely to be tolerated. ClinVar contains an entry for this variant (Variation ID: 1002306). This variant has not been reported in the literature in individuals affected with WDPCP-related conditions. The frequency data for this variant in the population databases is considered unreliable, as metrics indicate poor data quality at this position in the gnomAD database.

Fulgent Genetics
Classification: Uncertain significance for Heart defect - tongue hamartoma - polysyndactyly syndrome; Bardet-Biedl syndrome 15. Last evaluated: 2022-01-04. Review status: criteria provided, single submitter. Criteria: ACMG Guidelines, 2015. Collection method: clinical testing. Allele origin: unknown.

PreventionGenetics, part of Exact Sciences
Classification: Uncertain significance for WDPCP-related condition. Last evaluated: 2023-11-01. Review status: no assertion criteria provided. Collection method: clinical testing. Allele origin: germline. Not counted in ClinVar's aggregate classification.
Comment: The WDPCP c.243G>T variant is predicted to result in the amino acid substitution p.Lys81Asn. To our knowledge, this variant has not been reported in the literature. This variant is reported in 0.0098% of alleles in individuals of African descent in gnomAD. At this time, the clinical significance of this variant is uncertain due to the absence of conclusive functional and genetic evidence.

NM_015910.7(WDPCP):c.243G>T (p.Lys81Asn)

Gene: WDPCP (WD repeat containing planar cell polarity effector; minus strand). Cytogenetic location: 2p15.
Variant type: single nucleotide variant.
Coding change: c.243G>T on transcript NM_015910.7 (MANE Select); coding-DNA position 243, G replaced by T.
Protein change: p.Lys81Asn; replaces lysine 81 with asparagine.
Molecular consequence: missense variant. On other transcripts: non-coding transcript variant (2).
Genome position (GRCh38, 1-based): chr2:63,486,552, C>A on the plus strand (G>T on the coding strand, the complement: WDPCP is on the minus strand). VCF-style: chr2-63486552-C-A. GRCh37 (hg19) VCF-style: chr2-63713686-C-A.
Other names: c.243G>T (NM_015910.5); c.171G>T, p.Lys57Asn (NM_001354044.2); c.243G>T, p.Lys81Asn (NM_001354045.2); short protein forms K57N, K81N.
Identifiers: ClinVar variation 1002306 (VCV001002306.11), dbSNP rs1206045016, ClinGen allele CA347066085.
Genomic context (GRCh38, chr2:63,486,552, plus strand): 5'-CTGAACTTTACAGTTTTATAATAATTCCAAAAAATATAAAGTAAGCTTACACTCTGCCAG[C>A]TTCTGCTTCTTTTCTAAGTTACCATGCTCTGTCGCTGATATTGTGGCAGAAGGGATAGAA-3'
Protein context (NP_056994.3, residues 71-91): TEHGNLEKKQ[Lys81Asn]LAESRDYPWT